The following is an entry in ClinVar:

ClinVar aggregate classification (germline): Uncertain significance. Review status: criteria provided, multiple submitters, no conflicts (2 of 4 stars). 3 submissions from 3 submitters: Uncertain significance (3). Last evaluated 2025-06-17.

Conditions:
Bloom syndrome (BLM). Also called: Bloom-Torre-Machacek syndrome. Identifiers: Orphanet 125, MedGen C0005859, MONDO:0008876, OMIM 210900.
Hereditary cancer-predisposing syndrome. Also called: Tumor predisposition; Neoplastic Syndromes, Hereditary; Hereditary neoplastic syndrome; Hereditary Cancer Syndrome. Identifiers: Orphanet 140162, MedGen C0027672, MeSH D009386, MONDO:0015356.

Allele frequency attached by ClinVar (database versions not stated): gnomAD exomes below 0.00001; ExAC 0.00001; gnomAD 0.00001 and 0.00002; TOPMed 0.00001; ESP Exome Variant Server 0.00008.
gnomAD v4.1: 4 of 1,613,312 alleles (0.00025%); highest among the groups gnomAD compares: African/African-American, 0.004%; no homozygotes.

Submissions (3):

St. Jude Molecular Pathology, St. Jude Children's Research Hospital
Classification: Uncertain significance for Bloom syndrome. Last evaluated: 2025-06-17. Review status: criteria provided, single submitter. Criteria: St. Jude Assertion Criteria 2020. Collection method: clinical testing. Allele origin: germline.
Comment: The BLM c.203C>A p.(Thr68Asn) missense change has a maximum subpopulation frequency of 0.006% in gnomAD v2.1.1. The in silico tool REVEL predicts a benign effect on protein function, but to our knowledge this prediction has not been confirmed by functional studies. To our knowledge, this variant has not been reported in individuals with Bloom syndrome. In summary, the evidence currently available is insufficient to determine the clinical significance of this variant. It has therefore been classified as of uncertain significance.

Ambry Genetics
Classification: Uncertain significance for Hereditary cancer-predisposing syndrome. Last evaluated: 2024-05-17. Review status: criteria provided, single submitter. Criteria: Ambry Variant Classification Scheme 2023. Collection method: clinical testing. Allele origin: germline.
Comment: The p.T68N variant (also known as c.203C>A), located in coding exon 2 of the BLM gene, results from a C to A substitution at nucleotide position 203. The threonine at codon 68 is replaced by asparagine, an amino acid with similar properties. This amino acid position is poorly conserved in available vertebrate species. In addition, this alteration is predicted to be tolerated by in silico analysis. Since supporting evidence is limited at this time, the clinical significance of this alteration remains unclear.

Labcorp Genetics (formerly Invitae), Labcorp
Classification: Uncertain significance for Bloom syndrome. Last evaluated: 2023-06-13. Review status: criteria provided, single submitter. Criteria: Invitae Variant Classification Sherloc (09022015). Collection method: clinical testing. Allele origin: germline.
Comment: In summary, the available evidence is currently insufficient to determine the role of this variant in disease. Therefore, it has been classified as a Variant of Uncertain Significance. An algorithm developed to predict the effect of missense changes on protein structure and function (PolyPhen-2) suggests that this variant is likely to be tolerated. ClinVar contains an entry for this variant (Variation ID: 1515833). This variant has not been reported in the literature in individuals affected with BLM-related conditions. This variant is present in population databases (rs144134597, gnomAD 0.007%). This sequence change replaces threonine, which is neutral and polar, with asparagine, which is neutral and polar, at codon 68 of the BLM protein (p.Thr68Asn).

NM_000057.4(BLM):c.203C>A (p.Thr68Asn)

Gene: BLM (BLM RecQ like helicase; plus strand). Cytogenetic location: 15q26.1.
Variant type: single nucleotide variant.
Coding change: c.203C>A on transcript NM_000057.4 (MANE Select); coding-DNA position 203, C replaced by A.
Protein change: p.Thr68Asn; replaces threonine 68 with asparagine.
Molecular consequence: missense variant. On other transcripts: 5 prime UTR variant (1).
Genome position (GRCh38, 1-based): chr15:90,749,471, C>A. VCF-style: chr15-90749471-C-A. GRCh37 (hg19) VCF-style: chr15-91292701-C-A.
Other names: c.203C>A, p.Thr68Asn (NM_001287246.2, NM_001287247.2); c.-1089C>A (NM_001287248.2); short protein forms T68N.
Identifiers: ClinVar variation 1515833 (VCV001515833.11), dbSNP rs144134597, ClinGen allele CA7738257.